The following is an entry in ClinVar:

NM_001042492.3(NF1):c.2899A>G (p.Ile967Val)

Gene: NF1 (neurofibromin 1; plus strand). Cytogenetic location: 17q11.2.
Variant type: single nucleotide variant.
Coding change: c.2899A>G on transcript NM_001042492.3 (MANE Select); coding-DNA position 2899, A replaced by G.
Protein change: p.Ile967Val; replaces isoleucine 967 with valine.
Molecular consequence: missense variant.
Genome position (GRCh38, 1-based): chr17:31,229,883, A>G. VCF-style: chr17-31229883-A-G. GRCh37 (hg19) VCF-style: chr17-29556901-A-G.
Other names: c.2899A>G, p.Ile967Val (NM_000267.4); short protein forms I967V.
Identifiers: ClinVar variation 233237 (VCV000233237.15), dbSNP rs876660279, ClinGen allele CA10580269.
Genomic context (GRCh38, chr17:31,229,883, plus strand): 5'-TTCTTTCTTTAGGTTTTATTGACTGATACCAATACTCAATTTGTAGAACAAACCATAGCT[A>G]TAATGAAGAACTTGCTAGATAATCATACTGAAGGCAGCTCTGAACATCTAGGGCAAGCTA-3'
Protein context (NP_001035957.1, residues 957-977): NTQFVEQTIA[Ile967Val]MKNLLDNHTE

ClinVar aggregate classification (germline): Uncertain significance. Review status: criteria provided, multiple submitters, no conflicts (2 of 4 stars). 5 submissions from 4 submitters: Uncertain significance (5). Last evaluated 2024-08-28.

Conditions:
Cardiovascular phenotype. Identifiers: MedGen CN230736.
Hereditary cancer-predisposing syndrome. Also called: Tumor predisposition; Hereditary Cancer Syndrome; Hereditary neoplastic syndrome; Neoplastic Syndromes, Hereditary. Identifiers: Orphanet 140162, MedGen C0027672, MeSH D009386, MONDO:0015356.
Neurofibromatosis, familial spinal (FSNF). Identifiers: Orphanet 636, MedGen C1834235, MONDO:0008078, OMIM 162210. Disease mechanism: loss of function.
Juvenile myelomonocytic leukemia (JMML). Also called: LEUKEMIA, JUVENILE MYELOMONOCYTIC, SOMATIC. Identifiers: Orphanet 86834, MedGen C0349639, MONDO:0011908, OMIM 607785, HP:0012209.
Neurofibromatosis, type 1 (NF1). Also called: VON RECKLINGHAUSEN DISEASE; NEUROFIBROMATOSIS, TYPE I, SOMATIC; Peripheral type neurofibromatosis; Neurofibromatosis, type I. Identifiers: Orphanet 636, MedGen C0027831, MONDO:0018975, OMIM 162200. Disease mechanism: loss of function.
Neurofibromatosis-Noonan syndrome (NFNS). Also called: NEUROFIBROMATOSIS WITH NOONAN PHENOTYPE. Identifiers: Orphanet 638, MedGen C2931482, MONDO:0011035, OMIM 601321. Disease mechanism: loss of function.
Café-au-lait macules with pulmonary stenosis (WTSN). Also called: PULMONIC STENOSIS WITH CAFE-AU-LAIT SPOTS. Identifiers: MedGen C0553586, MONDO:0008672, OMIM 193520.

Allele frequency attached by ClinVar (database versions not stated): gnomAD exomes below 0.00001.
gnomAD v4.1: 3 of 1,611,872 alleles (0.00019%); highest among the groups gnomAD compares: East Asian, 0.0022%; no homozygotes.

Submissions (5):

Labcorp Genetics (formerly Invitae), Labcorp
Classification: Uncertain significance for Neurofibromatosis, type 1. Last evaluated: 2024-08-28. Review status: criteria provided, single submitter. Criteria: Invitae Variant Classification Sherloc (09022015). Collection method: clinical testing. Allele origin: germline.
Comment: This sequence change replaces isoleucine, which is neutral and non-polar, with valine, which is neutral and non-polar, at codon 967 of the NF1 protein (p.Ile967Val). This variant is not present in population databases (gnomAD no frequency). This missense change has been observed in individual(s) with breast cancer (PMID: 30287823). ClinVar contains an entry for this variant (Variation ID: 233237). Invitae Evidence Modeling of protein sequence and biophysical properties (such as structural, functional, and spatial information, amino acid conservation, physicochemical variation, residue mobility, and thermodynamic stability) has been performed for this missense variant. However, the output from this modeling did not meet the statistical confidence thresholds required to predict the impact of this variant on NF1 protein function. In summary, the available evidence is currently insufficient to determine the role of this variant in disease. Therefore, it has been classified as a Variant of Uncertain Significance.

Genome-Nilou Lab
Classification: Uncertain significance for Neurofibromatosis, type 1. Last evaluated: 2022-03-15. Review status: criteria provided, single submitter. Criteria: ACMG Guidelines, 2015. Collection method: clinical testing. Allele origin: germline. Affected: no.

Fulgent Genetics
Classification: Uncertain significance for Neurofibromatosis, type 1; Neurofibromatosis, familial spinal; Café-au-lait macules with pulmonary stenosis; Neurofibromatosis-Noonan syndrome; Juvenile myelomonocytic leukemia. Last evaluated: 2021-12-15. Review status: criteria provided, single submitter. Criteria: ACMG Guidelines, 2015. Collection method: clinical testing. Allele origin: unknown.

Ambry Genetics
Classification: Uncertain significance for Cardiovascular phenotype; Hereditary cancer-predisposing syndrome. Last evaluated: 2021-05-26. Review status: criteria provided, single submitter. Criteria: Ambry Variant Classification Scheme 2023. Collection method: clinical testing. Allele origin: germline.

Ambry Genetics
Classification: Uncertain significance for Hereditary cancer-predisposing syndrome. Last evaluated: 2015-07-23. Review status: criteria provided, single submitter. Criteria: Ambry Autosomal Dominant and X-Linked criteria (10/2015). Collection method: clinical testing. Allele origin: germline. Observed: 1 variant allele.
Comment: The p.I967V variant (also known as c.2899A>G), located in coding exon 22 of the NF1 gene, results from an A to G substitution at nucleotide position 2899. The isoleucine at codon 967 is replaced by valine, an amino acid with highly similar properties. This variant was not reported in population based cohorts in the following databases: Database of Single Nucleotide Polymorphisms (dbSNP), NHLBI Exome Sequencing Project (ESP), and 1000 Genomes Project. In the ESP, this variant was not observed in 6502 samples (13004 alleles) with coverage at this position. To date, this alteration has been detected with an allele frequency of approximately 0.002% (greater than 65000alleles tested) in our clinical cohort.This amino acid position is highly conserved in available vertebrate species. In addition, the in silico prediction for this alteration is inconclusive.Since supporting evidence is limited at this time, the clinical significance of p.I967Vremains unclear.

Literature cited by the submitters: PubMed 30287823 (cited by Labcorp Genetics (formerly Invitae), Labcorp).